The following is an entry in ClinVar:

NM_000088.4(COL1A1):c.4019G>A (p.Gly1340Asp)

Gene: COL1A1 (collagen type I alpha 1 chain; minus strand). Cytogenetic location: 17q21.33.
Variant type: single nucleotide variant.
Coding change: c.4019G>A on transcript NM_000088.4 (MANE Select); coding-DNA position 4019, G replaced by A.
Protein change: p.Gly1340Asp; replaces glycine 1340 with aspartic acid.
Molecular consequence: missense variant.
Genome position (GRCh38, 1-based): chr17:50,186,007, C>T on the plus strand (G>A on the coding strand, the complement: COL1A1 is on the minus strand). VCF-style: chr17-50186007-C-T. GRCh37 (hg19) VCF-style: chr17-48263368-C-T.
Other names: short protein forms G1340D.
Identifiers: ClinVar variation 2442588 (VCV002442588.1), dbSNP rs1567751994, ClinGen allele CA400192809.

ClinVar aggregate classification (germline): Uncertain significance (1 of 4 stars; one submission).

Allele frequency attached by ClinVar (database versions not stated): gnomAD exomes below 0.00001.
gnomAD v4.1: 5 of 1,613,190 alleles (0.00031%); highest among the groups gnomAD compares: Non-Finnish European, 0.00042%; no homozygotes.

Submission:

GeneDx
Classification: Uncertain significance. Last evaluated: 2022-09-04. Review status: criteria provided, single submitter. Criteria: GeneDx Variant Classification Process June 2021. Collection method: clinical testing. Allele origin: germline. Affected: yes.
Comment: Not observed at significant frequency in large population cohorts (gnomAD); In silico analysis supports that this missense variant does not alter protein structure/function; Has not been previously published as pathogenic or benign to our knowledge